The following is an entry in ClinVar:

ClinVar aggregate classification (germline): Uncertain significance. Review status: criteria provided, multiple submitters, no conflicts (2 of 4 stars). 3 submissions from 3 submitters: Uncertain significance (3). Last evaluated 2025-07-26.

Conditions:
A2ML1-related disorder. Also called: A2ML1-related condition.

Allele frequency attached by ClinVar (database versions not stated): ExAC 0.00002; gnomAD exomes 0.00002 and 0.00001; gnomAD 0.00006; TOPMed 0.00007; ESP Exome Variant Server 0.00025.
gnomAD v4.1: 21 of 1,614,086 alleles (0.0013%); highest among the groups gnomAD compares: African/African-American, 0.019%; no homozygotes.

Submissions (3):

PreventionGenetics, part of Exact Sciences
Classification: Uncertain significance for A2ML1-related condition. Last evaluated: 2025-07-26. Review status: criteria provided, single submitter. Criteria: ACMG Guidelines, 2015. Collection method: clinical testing. Allele origin: germline.
Comment: The A2ML1 c.3820C>T variant is predicted to result in the amino acid substitution p.Arg1274Cys. To our knowledge, this variant has not been reported in the literature. This variant is reported in 0.021% of alleles in individuals of African descent in gnomAD. Although we suspect that this variant may be benign, at this time, the clinical significance of this variant is uncertain due to the absence of conclusive functional and genetic evidence.

Labcorp Genetics (formerly Invitae), Labcorp
Classification: Uncertain significance. Last evaluated: 2025-06-27. Review status: criteria provided, single submitter. Criteria: Invitae Variant Classification Sherloc (09022015). Collection method: clinical testing. Allele origin: germline.
Comment: This sequence change replaces arginine, which is basic and polar, with cysteine, which is neutral and slightly polar, at codon 1274 of the A2ML1 protein (p.Arg1274Cys). This variant is present in population databases (rs370804670, gnomAD 0.02%). This variant has not been reported in the literature in individuals affected with A2ML1-related conditions. ClinVar contains an entry for this variant (Variation ID: 1351338). An algorithm developed to predict the effect of missense changes on protein structure and function outputs the following: PolyPhen-2: "Benign". The cysteine amino acid residue is found in multiple mammalian species, which suggests that this missense change does not adversely affect protein function. In summary, the available evidence is currently insufficient to determine the role of this variant in disease. Therefore, it has been classified as a Variant of Uncertain Significance.

Ambry Genetics
Classification: Uncertain significance. Last evaluated: 2024-01-31. Review status: criteria provided, single submitter. Criteria: Ambry Variant Classification Scheme 2023. Collection method: clinical testing. Allele origin: germline.
Comment: The p.R1274C variant (also known as c.3820C>T), located in coding exon 30 of the A2ML1 gene, results from a C to T substitution at nucleotide position 3820. The arginine at codon 1274 is replaced by cysteine, an amino acid with highly dissimilar properties. This amino acid position is conserved. In addition, this alteration is predicted to be tolerated by in silico analysis. Since supporting evidence is limited at this time, the clinical significance of this alteration remains unclear.

NM_144670.6(A2ML1):c.3820C>T (p.Arg1274Cys)

Gene: A2ML1 (alpha-2-macroglobulin like 1; plus strand). Cytogenetic location: 12p13.31.
Variant type: single nucleotide variant.
Coding change: c.3820C>T on transcript NM_144670.6 (MANE Select); coding-DNA position 3820, C replaced by T.
Protein change: p.Arg1274Cys; replaces arginine 1274 with cysteine.
Molecular consequence: missense variant.
Genome position (GRCh38, 1-based): chr12:8,867,944, C>T. VCF-style: chr12-8867944-C-T. GRCh37 (hg19) VCF-style: chr12-9020540-C-T.
Other names: c.2347C>T, p.Arg783Cys (NM_001282424.3); c.3820C>T (NM_144670.5); short protein forms R1274C, R783C.
Identifiers: ClinVar variation 1351338 (VCV001351338.9), dbSNP rs370804670, ClinGen allele CA6436486.